The following is an entry in ClinVar:

ClinVar aggregate classification (germline): Uncertain significance. Review status: criteria provided, multiple submitters, no conflicts (2 of 4 stars). 2 submissions from 2 submitters: Uncertain significance (2). Last evaluated 2026-07-07.

Conditions:
Tuberous sclerosis 1 (TSC1). Identifiers: Orphanet 805, MedGen C1854465, MONDO:0008612, OMIM 191100.
Hereditary cancer-predisposing syndrome. Also called: Hereditary Cancer Syndrome; Hereditary neoplastic syndrome; Neoplastic Syndromes, Hereditary; Tumor predisposition. Identifiers: Orphanet 140162, MedGen C0027672, MeSH D009386, MONDO:0015356.

Submissions (2):

Ambry Genetics
Classification: Uncertain significance for Hereditary cancer-predisposing syndrome. Last evaluated: 2026-07-07. Review status: criteria provided, single submitter. Criteria: Ambry Variant Classification Scheme 2023. Collection method: clinical testing. Allele origin: germline.
Comment: The p.R953S variant (also known as c.2859G>C), located in coding exon 20 of the TSC1 gene, results from a G to C substitution at nucleotide position 2859. The arginine at codon 953 is replaced by serine, an amino acid with dissimilar properties. This amino acid position is conserved. In addition, the in silico prediction for this alteration is inconclusive. Based on the available evidence, the clinical significance of this variant remains unclear.

Labcorp Genetics (formerly Invitae), Labcorp
Classification: Uncertain significance for Tuberous sclerosis 1. Last evaluated: 2026-01-08. Review status: criteria provided, single submitter. Criteria: Invitae Variant Classification Sherloc (09022015). Collection method: clinical testing. Allele origin: germline.
Comment: This sequence change replaces arginine, which is basic and polar, with serine, which is neutral and polar, at codon 953 of the TSC1 protein (p.Arg953Ser). This variant is not present in population databases (gnomAD no frequency). This variant has not been reported in the literature in individuals affected with TSC1-related conditions. Invitae Evidence Modeling of protein sequence and biophysical properties (such as structural, functional, and spatial information, amino acid conservation, physicochemical variation, residue mobility, and thermodynamic stability) indicates that this missense variant is not expected to disrupt TSC1 protein function with a negative predictive value of 95%. In summary, the available evidence is currently insufficient to determine the role of this variant in disease. Therefore, it has been classified as a Variant of Uncertain Significance.

NM_000368.5(TSC1):c.2859G>C (p.Arg953Ser)

Gene: TSC1 (TSC complex subunit 1; minus strand). Cytogenetic location: 9q34.13.
Variant type: single nucleotide variant.
Coding change: c.2859G>C on transcript NM_000368.5 (MANE Select); coding-DNA position 2859, G replaced by C.
Protein change: p.Arg953Ser; replaces arginine 953 with serine.
Molecular consequence: missense variant. On other transcripts: non-coding transcript variant (5).
Genome position (GRCh38, 1-based): chr9:132,897,300, C>G on the plus strand (G>C on the coding strand, the complement: TSC1 is on the minus strand). VCF-style: chr9-132897300-C-G. GRCh37 (hg19) VCF-style: chr9-135772687-C-G.
Other names: c.2856G>C, p.Arg952Ser (NM_001162426.2, NM_001406597.1, NM_001406598.1 and 2 more transcripts); c.2706G>C, p.Arg902Ser (NM_001162427.2, NM_001406610.1); c.2496G>C, p.Arg832Ser (NM_001362177.2, NM_001406614.1, NM_001406615.1 and 4 more transcripts); c.2859G>C, p.Arg953Ser (NM_001406592.1, NM_001406593.1, NM_001406594.1 and 2 more transcripts); c.2844G>C, p.Arg948Ser (NM_001406601.1, NM_001406602.1); c.2661G>C, p.Arg887Ser (NM_001406613.1); c.2493G>C, p.Arg831Ser (NM_001406620.1, NM_001406621.1, NM_001406622.1 and 1 more transcripts); c.2454G>C, p.Arg818Ser (NM_001406624.1); and 8 more; short protein forms R602S, R831S, R901S, R902S, R953S, R818S, R952S, R635S.
Identifiers: ClinVar variation 4742879 (VCV004742879.2).